The following is an entry in ClinVar:

ClinVar aggregate classification (germline): Uncertain significance. Review status: criteria provided, multiple submitters, no conflicts (2 of 4 stars). 2 submissions from 2 submitters: Uncertain significance (2). Last evaluated 2025-02-25.

Conditions:
Inborn genetic diseases. Identifiers: MedGen C0950123, MeSH D030342.
Charcot-Marie-Tooth disease recessive intermediate C. Also called: CHARCOT-MARIE-TOOTH NEUROPATHY, RECESSIVE INTERMEDIATE C. Identifiers: Orphanet 369867, MedGen C3809309, MONDO:0014154, OMIM 615376.
Neuronopathy, distal hereditary motor, autosomal recessive 4. Also called: Autosomal recessive lower motor neuron disease with childhood onset; NEUROPATHY, DISTAL HEREDITARY MOTOR, AUTOSOMAL RECESSIVE 4. Identifiers: Orphanet 206580, MedGen C1970211, MONDO:0012608, OMIM 611067.

Submissions (2):

Ambry Genetics
Classification: Uncertain significance for Inborn genetic diseases. Last evaluated: 2025-02-25. Review status: criteria provided, single submitter. Criteria: Ambry Variant Classification Scheme 2023. Collection method: clinical testing. Allele origin: germline.

Labcorp Genetics (formerly Invitae), Labcorp
Classification: Uncertain significance for Neuronopathy, distal hereditary motor, autosomal recessive 4; Charcot-Marie-Tooth disease recessive intermediate C. Last evaluated: 2021-08-27. Review status: criteria provided, single submitter. Criteria: Invitae Variant Classification Sherloc (09022015). Collection method: clinical testing. Allele origin: germline.
Comment: This sequence change replaces alanine with proline at codon 466 of the PLEKHG5 protein (p.Ala466Pro). The alanine residue is moderately conserved and there is a small physicochemical difference between alanine and proline. The frequency data for this variant in the population databases is considered unreliable, as metrics indicate poor data quality at this position in the ExAC database. This variant has not been reported in the literature in individuals affected with PLEKHG5-related conditions. Algorithms developed to predict the effect of missense changes on protein structure and function are either unavailable or do not agree on the potential impact of this missense change (SIFT: "Tolerated"; PolyPhen-2: "Probably Damaging"; Align-GVGD: "Class C0"). In summary, the available evidence is currently insufficient to determine the role of this variant in disease. Therefore, it has been classified as a Variant of Uncertain Significance.

NM_020631.6(PLEKHG5):c.1396G>C (p.Ala466Pro)

Gene: PLEKHG5 (pleckstrin homology and RhoGEF domain containing G5; minus strand). Cytogenetic location: 1p36.31.
Variant type: single nucleotide variant.
Coding change: c.1396G>C on transcript NM_020631.6 (MANE Select); coding-DNA position 1396, G replaced by C.
Protein change: p.Ala466Pro; replaces alanine 466 with proline.
Molecular consequence: missense variant.
Genome position (GRCh38, 1-based): chr1:6,470,881, C>G on the plus strand (G>C on the coding strand, the complement: PLEKHG5 is on the minus strand). VCF-style: chr1-6470881-C-G. GRCh37 (hg19) VCF-style: chr1-6530941-C-G.
Other names: c.1507G>C, p.Ala503Pro (NM_001042663.3, NM_001265592.2); c.1396G>C, p.Ala466Pro (NM_001042664.2, NM_001042665.2, NM_001265594.3 and 1 more transcripts); c.1603G>C, p.Ala535Pro (NM_001265593.2); short protein forms A466P, A535P, A503P.
Identifiers: ClinVar variation 536779 (VCV000536779.8), dbSNP rs757292650, ClinGen allele CA561516.